The following is an entry in ClinVar:

ClinVar aggregate classification (germline): Pathogenic (1 of 4 stars; one submission).

Submission:

GeneDx
Classification: Pathogenic. Last evaluated: 2016-07-20. Review status: criteria provided, single submitter. Criteria: GeneDx Variant Classification (06012015). Collection method: clinical testing. Allele origin: germline. Affected: yes.
Comment: A novel G1139S variant was identified in the COL1A1 gene. It has not been published as a pathogenic variant, nor has it been reported as a benign variant to our knowledge. G1139S occurs in the triple helical domain and replaces the Glycine in the canonical Gly-X-Y repeat. Mutations in these Glycines result in poor winding of the collagen triple helix and a less functional protein. The G1139S variant was not observed in approximately 6500 individuals of European and African American ancestry in the NHLBI Exome Sequencing Project, indicating it is not a common benign variant in these populations. The G1139S variant is a non-conservative amino acid substitution, which is likely to impact secondary protein structure as these residues differ in polarity, charge, size and/or other properties. In silico analysis predicts this variant is probably damaging to the protein structure/function. Other glycine variants nearby (Gly1124Cys, Gly1142Ser, Gly1145Cys/Asp) have been reported in the Human Gene Mutation Database in association with osteogenesis imperfecta (Stenson et al., 2014), supporting the functional importance of this region of the protein.

NM_000088.4(COL1A1):c.3415G>A (p.Gly1139Ser)

Gene: COL1A1 (collagen type I alpha 1 chain; minus strand). Cytogenetic location: 17q21.33.
Variant type: single nucleotide variant.
Coding change: c.3415G>A on transcript NM_000088.4 (MANE Select); coding-DNA position 3415, G replaced by A.
Protein change: p.Gly1139Ser; replaces glycine 1139 with serine.
Molecular consequence: missense variant.
Genome position (GRCh38, 1-based): chr17:50,187,492, C>T on the plus strand (G>A on the coding strand, the complement: COL1A1 is on the minus strand). VCF-style: chr17-50187492-C-T. GRCh37 (hg19) VCF-style: chr17-48264853-C-T.
Other names: short protein forms G1139S.
Identifiers: ClinVar variation 280756 (VCV000280756.2), dbSNP rs886041904, ClinGen allele CA10603304.